The following is an entry in ClinVar:

ClinVar aggregate classification (germline): Uncertain significance (1 of 4 stars; one submission).

Conditions:
Cardiovascular phenotype. Identifiers: MedGen CN230736.

Allele frequency attached by ClinVar (database versions not stated): gnomAD exomes below 0.00001; gnomAD 0.00001; TOPMed 0.00001; ExAC 0.00002.
gnomAD v4.1: 5 of 1,614,098 alleles (0.00031%); highest among the groups gnomAD compares: South Asian, 0.0055%; no homozygotes.

Submission:

Ambry Genetics
Classification: Uncertain significance for Cardiovascular phenotype. Last evaluated: 2023-04-05. Review status: criteria provided, single submitter. Criteria: Ambry Variant Classification Scheme 2023. Collection method: clinical testing. Allele origin: germline.
Comment: The p.I3331V variant (also known as c.9991A>G), located in coding exon 13 of the ALMS1 gene, results from an A to G substitution at nucleotide position 9991. The isoleucine at codon 3331 is replaced by valine, an amino acid with highly similar properties. This amino acid position is well conserved in available vertebrate species. In addition, this alteration is predicted to be tolerated by in silico analysis. Since supporting evidence is limited at this time, the clinical significance of this alteration remains unclear.

NM_001378454.1(ALMS1):c.9988A>G (p.Ile3330Val)

Gene: ALMS1 (ALMS1 centrosome and basal body associated protein; plus strand). Cytogenetic location: 2p13.1.
Variant type: single nucleotide variant.
Coding change: c.9988A>G on transcript NM_001378454.1 (MANE Select); coding-DNA position 9988, A replaced by G.
Protein change: p.Ile3330Val; replaces isoleucine 3330 with valine.
Molecular consequence: missense variant.
Genome position (GRCh38, 1-based): chr2:73,550,347, A>G. VCF-style: chr2-73550347-A-G. GRCh37 (hg19) VCF-style: chr2-73777474-A-G.
Other names: c.9991A>G, p.Ile3331Val (NM_015120.4); short protein forms I3331V, I3330V.
Identifiers: ClinVar variation 2291736 (VCV002291736.2), dbSNP rs758046780, ClinGen allele CA1714845.